The following is an entry in ClinVar:

NM_001258392.3(CLPB):c.1067-3T>C

Gene: CLPB (ClpB family mitochondrial disaggregase; minus strand). Cytogenetic location: 11q13.4.
Variant type: single nucleotide variant.
Coding change: c.1067-3T>C on transcript NM_001258392.3 (MANE Select); 3 bases into the intron before coding-DNA position 1067, T replaced by C.
Molecular consequence: intron variant.
Genome position (GRCh38, 1-based): chr11:72,307,257, A>G on the plus strand (T>C on the coding strand, the complement: CLPB is on the minus strand). VCF-style: chr11-72307257-A-G. GRCh37 (hg19) VCF-style: chr11-72018301-A-G.
Other names: c.980-3T>C (NM_001258393.3); c.1157-3T>C (NM_030813.6); c.1022-3T>C (NM_001258394.3).
Identifiers: ClinVar variation 2727407 (VCV002727407.3), dbSNP rs2539362610, ClinGen allele CA2697548783.

ClinVar aggregate classification (germline): Uncertain significance (1 of 4 stars; one submission).

Conditions:
3-methylglutaconic aciduria, type VIIB (MGCA7B). Also called: CLPB Deficiency; 3-methylglutaconic aciduria, type VII, with cataracts, neurologic involvement and neutropenia; 3-methylglutaconic aciduria with cataracts, neurologic involvement and neutropenia. Identifiers: Orphanet 445038, MedGen C5676893, MONDO:0014561, OMIM 616271.

Submission:

Labcorp Genetics (formerly Invitae), Labcorp
Classification: Uncertain significance for 3-methylglutaconic aciduria, type VIIB. Last evaluated: 2023-09-21. Review status: criteria provided, single submitter. Criteria: Invitae Variant Classification Sherloc (09022015). Collection method: clinical testing. Allele origin: germline.
Comment: In summary, the available evidence is currently insufficient to determine the role of this variant in disease. Therefore, it has been classified as a Variant of Uncertain Significance. Variants that disrupt the consensus splice site are a relatively common cause of aberrant splicing (PMID: 17576681, 9536098). Algorithms developed to predict the effect of sequence changes on RNA splicing suggest that this variant is not likely to affect RNA splicing. This variant has not been reported in the literature in individuals affected with CLPB-related conditions. This variant is not present in population databases (gnomAD no frequency). This sequence change falls in intron 9 of the CLPB gene. It does not directly change the encoded amino acid sequence of the CLPB protein. It affects a nucleotide within the consensus splice site.

Literature cited by the submitters: PubMed 17576681; PubMed 9536098.